The following is an entry in ClinVar:

NM_019066.5(MAGEL2):c.1151C>A (p.Ala384Asp)

Gene: MAGEL2 (MAGE family member L2; minus strand). Cytogenetic location: 15q11.2.
Variant type: single nucleotide variant.
Coding change: c.1151C>A on transcript NM_019066.5 (MANE Select); coding-DNA position 1151, C replaced by A.
Protein change: p.Ala384Asp; replaces alanine 384 with aspartic acid.
Molecular consequence: missense variant.
Genome position (GRCh38, 1-based): chr15:23,646,592, G>T on the plus strand (C>A on the coding strand, the complement: MAGEL2 is on the minus strand). VCF-style: chr15-23646592-G-T. GRCh37 (hg19) VCF-style: chr15-23891739-G-T.
Other names: short protein forms A384D.
Identifiers: ClinVar variation 4994487 (VCV004994487.1).

ClinVar aggregate classification (germline): Uncertain significance (1 of 4 stars; one submission).

Conditions:
MAGEL2-related disorder. Also called: MAGEL2-related condition.

Submission:

PreventionGenetics, part of Exact Sciences
Classification: Uncertain significance for MAGEL2-related condition. Last evaluated: 2026-06-18. Review status: criteria provided, single submitter. Criteria: ACMG Guidelines, 2015. Collection method: clinical testing. Allele origin: germline.
Comment: The MAGEL2 c.1151C>A variant is predicted to result in the amino acid substitution p.Ala384Asp. To our knowledge, this variant has not been reported in the literature or in a large population database (gnomAD), indicating this variant is rare. At this time, the clinical significance of this variant is uncertain due to the absence of conclusive functional and genetic evidence.